The following is an entry in ClinVar:

ClinVar aggregate classification (germline): Uncertain significance (1 of 4 stars; one submission).

Allele frequency attached by ClinVar (database versions not stated): ESP Exome Variant Server 0.00008; TOPMed 0.00018; ExAC 0.00020; 1000 Genomes Project 30x 0.00031; gnomAD 0.00039; 1000 Genomes Project 0.00040.

Submission:

GeneDx
Classification: Uncertain significance. Last evaluated: 2023-04-12. Review status: criteria provided, single submitter. Criteria: GeneDx Variant Classification Process June 2021. Collection method: clinical testing. Allele origin: germline. Affected: yes.
Comment: In silico analysis supports that this missense variant has a deleterious effect on protein structure/function; Has not been previously published as pathogenic or benign to our knowledge

NM_177939.3(P4HTM):c.817C>T (p.Arg273Trp)

Gene: P4HTM (prolyl 4-hydroxylase, transmembrane; plus strand). Cytogenetic location: 3p21.31.
Variant type: single nucleotide variant.
Coding change: c.817C>T on transcript NM_177939.3 (MANE Select); coding-DNA position 817, C replaced by T.
Protein change: p.Arg273Trp; replaces arginine 273 with tryptophan.
Molecular consequence: missense variant.
Genome position (GRCh38, 1-based): chr3:49,004,190, C>T. VCF-style: chr3-49004190-C-T. GRCh37 (hg19) VCF-style: chr3-49041623-C-T.
Other names: c.817C>T, p.Arg273Trp (NM_177938.2); short protein forms R273W.
Identifiers: ClinVar variation 2662679 (VCV002662679.1), dbSNP rs199611252, ClinGen allele CA2388386.